The following is an entry in ClinVar:

ClinVar aggregate classification (germline): Conflicting classifications of pathogenicity. Review status: criteria provided, conflicting classifications (1 of 4 stars). 5 submissions from 5 submitters: Pathogenic (2); Likely pathogenic (1); Uncertain significance (1). 1 of the submissions does not count toward it. Last evaluated 2024-07-21.

Conditions:
Glycogen storage disease type III (GSD3). Also called: FORBES DISEASE; Cori disease. Identifiers: Orphanet 366, MedGen C0017922, MONDO:0009291, OMIM 232400.

Submissions (5):

Natera, Inc.
Classification: Pathogenic for Glycogen storage disease type III. Last evaluated: 2024-07-21. Review status: criteria provided, single submitter. Criteria: Natera Variant Classification Schema (03/2026). Collection method: clinical testing. Allele origin: germline.
Comment: The c.664+1G>A variant in AGL is a canonical splice donor site variant predicted to affect pre-mRNA splicing, which may result in an abnormal transcript and altered protein product. This variant may result in a truncated or dysfunctional protein product. This variant is rare in the general population with a frequency below the threshold expected for the associated phenotype(s). This variant has been observed in one or more individuals affected with the associated recessive disease, as either homozygous or compound heterozygous with a second variant (PMID: 28888851, 26984562, 33763395). Additionally, this variant has been observed to segregate in affected family members (PMID: 23507172, 28888851). Given the available evidence, this variant is classified as Pathogenic.

Genomic Medicine Center of Excellence, King Faisal Specialist Hospital and Research Centre
Classification: Uncertain significance for Glycogen storage disease type III. Last evaluated: 2024-03-29. Review status: criteria provided, single submitter. Criteria: ACMG Guidelines, 2015. Collection method: clinical testing. Allele origin: germline.

Genome-Nilou Lab
Classification: Likely pathogenic for Glycogen storage disease type III. Last evaluated: 2023-04-11. Review status: criteria provided, single submitter. Criteria: ACMG Guidelines, 2015. Collection method: clinical testing. Allele origin: germline. Affected: no.

Revvity Omics, Revvity
Classification: Pathogenic for Glycogen storage disease type III. Last evaluated: 2023-01-19. Review status: criteria provided, single submitter. Criteria: ACMG Guidelines, 2015. Collection method: clinical testing. Allele origin: germline.

Counsyl
Classification: Likely pathogenic for Glycogen storage disease type III. Last evaluated: 2017-01-05. Review status: no assertion criteria provided. Collection method: clinical testing. Allele origin: unknown. Not counted in ClinVar's aggregate classification.

Literature cited by the submitters: PubMed 28888851 (cited by Natera, Inc.); PubMed 26984562 (cited by Natera, Inc.); PubMed 33763395 (cited by Natera, Inc.); PubMed 23507172 (cited by Natera, Inc.); PubMed 19951465 (cited by Counsyl); PubMed 25388549 (cited by Counsyl).

NM_000642.3(AGL):c.664+1G>A

Gene: AGL (amylo-alpha-1,6-glucosidase and 4-alpha-glucanotransferase; plus strand). Cytogenetic location: 1p21.2.
Variant type: single nucleotide variant.
Coding change: c.664+1G>A on transcript NM_000642.3 (MANE Select); the canonical splice donor site of the intron after coding-DNA position 664, G replaced by A.
Molecular consequence: splice donor variant. On other transcripts: intron variant (2).
Genome position (GRCh38, 1-based): chr1:99,864,590, G>A. VCF-style: chr1-99864590-G-A. GRCh37 (hg19) VCF-style: chr1-100330146-G-A.
Other names: c.664+1G>A (NM_000028.2, NM_001425325.1, NM_000028.3 and 4 more transcripts); c.616+1G>A (NM_000646.3); c.460+2167G>A (NM_001425328.1, NM_001425329.1); c.286+1G>A (NM_001425332.1).
Identifiers: ClinVar variation 550254 (VCV000550254.7), dbSNP rs61811105, ClinGen allele CA27563545.